The following is an entry in ClinVar:

NM_032444.4(SLX4):c.3561G>A (p.Arg1187=)

Gene: SLX4 (SLX4 structure-specific endonuclease subunit; minus strand). Cytogenetic location: 16p13.3.
Variant type: single nucleotide variant.
Coding change: c.3561G>A on transcript NM_032444.4 (MANE Select); coding-DNA position 3561, G replaced by A.
Protein change: p.Arg1187=; no amino-acid change (arginine 1187 retained).
Molecular consequence: synonymous variant.
Genome position (GRCh38, 1-based): chr16:3,590,077, C>T on the plus strand (G>A on the coding strand, the complement: SLX4 is on the minus strand). VCF-style: chr16-3590077-C-T. GRCh37 (hg19) VCF-style: chr16-3640078-C-T.
Other names: c.3561G>A (NM_032444.3).
Identifiers: ClinVar variation 1672103 (VCV001672103.10), dbSNP rs2151123357, ClinGen allele CA493391643.

ClinVar aggregate classification (germline): Likely benign. Review status: criteria provided, single submitter (1 of 4 stars). 2 submissions from 2 submitters: Likely benign (1). 1 of the submissions does not count toward it. Last evaluated 2021-07-14.

Conditions:
SLX4-related disorder. Also called: SLX4-related condition.
Fanconi anemia (FA). Also called: Fanconi's anemia. Identifiers: Orphanet 84, MedGen C0015625, MeSH D005199, MONDO:0019391.

gnomAD v4.1: 3 of 1,614,174 alleles (0.00019%); highest among the groups gnomAD compares: South Asian, 0.0011%; no homozygotes.

Submissions (2):

Labcorp Genetics (formerly Invitae), Labcorp
Classification: Likely benign for Fanconi anemia. Last evaluated: 2021-07-14. Review status: criteria provided, single submitter. Criteria: Invitae Variant Classification Sherloc (09022015). Collection method: clinical testing. Allele origin: germline.

PreventionGenetics, part of Exact Sciences
Classification: Likely benign for SLX4-related condition. Last evaluated: 2019-02-22. Review status: no assertion criteria provided. Collection method: clinical testing. Allele origin: germline. Not counted in ClinVar's aggregate classification.
Comment: This variant is classified as likely benign based on ACMG/AMP sequence variant interpretation guidelines (Richards et al. 2015 PMID: 25741868, with internal and published modifications).